The following is an entry in ClinVar:

ClinVar aggregate classification (germline): Uncertain significance (1 of 4 stars; one submission).

Conditions:
Leigh syndrome (NULS). Also called: Leigh's necrotizing encephalopathy; Leigh's disease; Leigh Syndrome (mtDNA deletion); Leigh Disease; Subacute necrotizing encephalopathy; Necrotizing encephalopathy infantile subacute of Leigh. Identifiers: Orphanet 506, MedGen C2931891, MONDO:0009723, OMIM 256000.

Submission:

Wong Mito Lab, Molecular and Human Genetics, Baylor College of Medicine
Classification: Uncertain significance for Leigh syndrome. Last evaluated: 2019-10-17. Review status: criteria provided, single submitter. Criteria: Modified ACMG Guidelines (Unpublished). Collection method: clinical testing. Allele origin: germline.
Comment: The NC_012920.1:m.4974G>A (YP_003024027.1:p.Gly169Ter) variant in MTND2 gene is interpretated to be a Uncertain Significance variant based on the modified ACMG guidelines (unpublished). This variant meets the following evidence codes: no criteria

NC_012920.1(MT-ND2):m.4974G>A

Gene: MT-ND2 (mitochondrially encoded NADH dehydrogenase 2; plus strand).
Variant type: single nucleotide variant.
Genome position: chrM-4974-G-A.
Identifiers: ClinVar variation 692532 (VCV000692532.1), dbSNP rs1603219704, ClinGen allele CA414778331.
Genomic context (GRCh38, chrMT:4,974, plus strand): 5'-CTAAACGTAAGCCTTCTCCTCACTCTCTCAATCTTATCCATCATAGCAGGCAGTTGAGGT[G>A]GATTAAACCAAACCCAGCTACGCAAAATCTTAGCATACTCCTCAATTACCCACATAGGAT-3'